The following is an entry in ClinVar:

ClinVar aggregate classification (germline): Uncertain significance (1 of 4 stars; one submission).

Conditions:
Inborn genetic diseases. Identifiers: MedGen C0950123, MeSH D030342.

Submission:

Ambry Genetics
Classification: Uncertain significance for Inborn genetic diseases. Last evaluated: 2015-03-22. Review status: criteria provided, single submitter. Criteria: Ambry Variant Classification Scheme 2023. Collection method: clinical testing. Allele origin: germline.
Comment: The p.Y4066C variant (also known as c.12197A>G), located in coding exon 76 of the HUWE1 gene, results from an A to G substitution at nucleotide position 12197. The tyrosine at codon 4066 is replaced by cysteine, an amino acid with highly dissimilar properties. This variant was not reported in population based cohorts in the following databases: Database of Single Nucleotide Polymorphisms (dbSNP), NHLBI Exome Sequencing Project (ESP), and 1000 Genomes Project. In the ESP, this variant was not observed in 6503 samples with coverage at this position. This amino acid position is well conserved in available vertebrate species. In addition, the in silico prediction for this alteration is inconclusive. Since supporting evidence is limited at this time, the clinical significance of this variant remains unclear.

NM_031407.7(HUWE1):c.12197A>G (p.Tyr4066Cys)

Gene: HUWE1 (HECT, UBA and WWE domain containing E3 ubiquitin protein ligase 1; minus strand). Cytogenetic location: Xp11.22.
Variant type: single nucleotide variant.
Coding change: c.12197A>G on transcript NM_031407.7 (MANE Select); coding-DNA position 12197, A replaced by G.
Protein change: p.Tyr4066Cys; replaces tyrosine 4066 with cysteine.
Molecular consequence: missense variant.
Genome position (GRCh38, 1-based): chrX:53,536,608, T>C on the plus strand (A>G on the coding strand, the complement: HUWE1 is on the minus strand). VCF-style: chrX-53536608-T-C. GRCh37 (hg19) VCF-style: chrX-53563569-T-C.
Other names: short protein forms Y4066C.
Identifiers: ClinVar variation 1752355 (VCV001752355.2), dbSNP rs2522061924, ClinGen allele CA413151450.